The following is an entry in ClinVar:

ClinVar aggregate classification (germline): Uncertain significance. Review status: criteria provided, multiple submitters, no conflicts (2 of 4 stars). 2 submissions from 2 submitters: Uncertain significance (2). Last evaluated 2025-05-29.

Conditions:
Epidermolysis bullosa simplex 3, localized or generalized intermediate, with BP230 deficiency (EBS3). Also called: Epidermolysis bullosa simplex, autosomal recessive 2; Epidermolysis bullosa simplex due to BP230 deficiency. Identifiers: Orphanet 412181, MedGen C3809470, MONDO:0014180, OMIM 615425.
Hereditary sensory and autonomic neuropathy type 6. Also called: HSAN VI; Neuropathy, hereditary sensory and autonomic, type VI. Identifiers: Orphanet 314381, MedGen C3539003, MONDO:0013839, OMIM 614653.

Allele frequency attached by ClinVar (database versions not stated): gnomAD exomes below 0.00001 and 0.00002; TOPMed below 0.00001; gnomAD 0.00001.
gnomAD v4.1: 33 of 1,604,492 alleles (0.0021%); highest among the groups gnomAD compares: Non-Finnish European, 0.0026%; no homozygotes.

Submissions (2):

GeneDx
Classification: Uncertain significance. Last evaluated: 2025-05-29. Review status: criteria provided, single submitter. Criteria: GeneDx Variant Classification Process June 2021. Collection method: clinical testing. Allele origin: germline. Affected: yes.
Comment: Not observed at significant frequency in large population cohorts (gnomAD); In silico analysis suggests that this missense variant does not alter protein structure/function; Has not been previously published as pathogenic or benign to our knowledge; In silico analysis suggests this variant may impact gene splicing. In the absence of RNA/functional studies, the actual effect of this sequence change is unknown.; Reported using the transcript encoding the epithelial isoform of the gene.

Labcorp Genetics (formerly Invitae), Labcorp
Classification: Uncertain significance for Epidermolysis bullosa simplex 3, localized or generalized intermediate, with BP230 deficiency; Hereditary sensory and autonomic neuropathy type 6. Last evaluated: 2020-01-23. Review status: criteria provided, single submitter. Criteria: Invitae Variant Classification Sherloc (09022015). Collection method: clinical testing. Allele origin: germline.
Comment: This sequence change replaces cysteine with tryptophan at codon 2080 of the DST protein (p.Cys2080Trp). The cysteine residue is weakly conserved and there is a large physicochemical difference between cysteine and tryptophan. This variant is not present in population databases (ExAC no frequency). This variant has not been reported in the literature in individuals with DST-related conditions. ClinVar contains an entry for this variant (Variation ID: 357557). Algorithms developed to predict the effect of missense changes on protein structure and function are either unavailable or do not agree on the potential impact of this missense change (SIFT: "Deleterious"; PolyPhen-2: "Benign"; Align-GVGD: "Class C15"). Algorithms developed to predict the effect of sequence changes on RNA splicing suggest that this variant may create or strengthen a splice site, but this prediction has not been confirmed by published transcriptional studies. In summary, the available evidence is currently insufficient to determine the role of this variant in disease. Therefore, it has been classified as a Variant of Uncertain Significance.

NM_001723.7(DST):c.6240T>G (p.Cys2080Trp)

Gene: DST (dystonin; minus strand). Cytogenetic location: 6p12.1.
Variant type: single nucleotide variant.
Coding change: c.6240T>G on transcript NM_001723.7 (MANE Plus Clinical); coding-DNA position 6240, T replaced by G.
Protein change: p.Cys2080Trp; replaces cysteine 2080 with tryptophan.
Molecular consequence: missense variant. On other transcripts: intron variant (10).
Genome position (GRCh38, 1-based): chr6:56,617,227, A>C on the plus strand (T>G on the coding strand, the complement: DST is on the minus strand). VCF-style: chr6-56617227-A-C. GRCh37 (hg19) VCF-style: chr6-56482025-A-C.
Other names: c.4831-2743T>G (NM_001144769.5); c.4930-2743T>G (NM_001374722.1, NM_001374736.1); c.4957-2743T>G (NM_001374734.1); c.4417-2743T>G (NM_001144770.2); c.4297-2743T>G (NM_001374730.1, NM_001386100.1, NM_183380.4 and 1 more transcripts); c.3319-2743T>G (NM_015548.5); short protein forms C2080W.
Identifiers: ClinVar variation 357557 (VCV000357557.14), dbSNP rs199558360, ClinGen allele CA10627303.